The following is an entry in ClinVar:

ClinVar aggregate classification (germline): Uncertain significance (1 of 4 stars; one submission).

Allele frequency attached by ClinVar (database versions not stated): gnomAD exomes below 0.00001 and 0.00001; gnomAD 0.00001; TOPMed 0.00001; ExAC 0.00002.
gnomAD v4.1: 8 of 1,600,582 alleles (0.0005%); highest among the groups gnomAD compares: African/African-American, 0.0013%; no homozygotes.

Submission:

GeneDx
Classification: Uncertain significance. Last evaluated: 2019-04-29. Review status: criteria provided, single submitter. Criteria: GeneDx Variant Classification Process June 2021. Collection method: clinical testing. Allele origin: germline. Affected: yes.
Comment: Not observed at a significant frequency in large population cohorts (Lek et al., 2016); In silico analysis, which includes protein predictors and evolutionary conservation, supports a deleterious effect; Has not been previously published as pathogenic or benign to our knowledge

NM_003922.4(HERC1):c.3892C>T (p.Arg1298Cys)

Gene: HERC1 (HECT and RLD domain containing E3 ubiquitin protein ligase family member 1; minus strand). Cytogenetic location: 15q22.31.
Variant type: single nucleotide variant.
Coding change: c.3892C>T on transcript NM_003922.4 (MANE Select); coding-DNA position 3892, C replaced by T.
Protein change: p.Arg1298Cys; replaces arginine 1298 with cysteine.
Molecular consequence: missense variant.
Genome position (GRCh38, 1-based): chr15:63,718,660, G>A on the plus strand (C>T on the coding strand, the complement: HERC1 is on the minus strand). VCF-style: chr15-63718660-G-A. GRCh37 (hg19) VCF-style: chr15-64010859-G-A.
Other names: short protein forms R1298C.
Identifiers: ClinVar variation 450007 (VCV000450007.3), dbSNP rs771986179, ClinGen allele CA7605935.